The following is an entry in ClinVar:

NM_000217.3(KCNA1):c.76C>T (p.Arg26Trp)

Gene: KCNA1 (potassium voltage-gated channel subfamily A member 1; plus strand). Cytogenetic location: 12p13.32.
Variant type: single nucleotide variant.
Coding change: c.76C>T on transcript NM_000217.3 (MANE Select); coding-DNA position 76, C replaced by T.
Protein change: p.Arg26Trp; replaces arginine 26 with tryptophan.
Molecular consequence: missense variant.
Genome position (GRCh38, 1-based): chr12:4,911,454, C>T. VCF-style: chr12-4911454-C-T. GRCh37 (hg19) VCF-style: chr12-5020620-C-T.
Other names: short protein forms R26W.
Identifiers: ClinVar variation 435546 (VCV000435546.12), dbSNP rs373645838, ClinGen allele CA6399339.

ClinVar aggregate classification (germline): Uncertain significance. Review status: criteria provided, multiple submitters, no conflicts (2 of 4 stars). 4 submissions from 4 submitters: Uncertain significance (4). Last evaluated 2025-06-02.

Conditions:
KCNA1-related disorder. Also called: KCNA1-related disorders; KCNA1-related condition.
Episodic ataxia type 1 (EA1). Also called: PAROXYSMAL ATAXIA WITH NEUROMYOTONIA, HEREDITARY; Episodic ataxia/myokymia syndrome; ATAXIA, EPISODIC, WITH MYOKYMIA; MYOKYMIA WITH PERIODIC ATAXIA. Identifiers: Orphanet 37612, Orphanet 972, MedGen C1719788, MONDO:0008047, OMIM 160120.

Allele frequency attached by ClinVar (database versions not stated): TOPMed below 0.00001; ExAC 0.00001; gnomAD 0.00001; ESP Exome Variant Server 0.00008.

Submissions (4):

PreventionGenetics, part of Exact Sciences
Classification: Uncertain significance for KCNA1-related condition. Last evaluated: 2025-06-02. Review status: criteria provided, single submitter. Criteria: ACMG Guidelines, 2015. Collection method: clinical testing. Allele origin: germline.
Comment: The KCNA1 c.76C>T variant is predicted to result in the amino acid substitution p.Arg26Trp. This variant was reported in an individual with a family history of episodic ataxia in the father and brother (Sun et al. 2019. PubMed ID: 29915382). This variant is reported in 0.00089% of alleles in individuals of European (Non-Finnish) descent in gnomAD. At this time, the clinical significance of this variant is uncertain due to the absence of conclusive functional and genetic evidence.

Labcorp Genetics (formerly Invitae), Labcorp
Classification: Uncertain significance for Episodic ataxia type 1. Last evaluated: 2025-02-23. Review status: criteria provided, single submitter. Criteria: Invitae Variant Classification Sherloc (09022015). Collection method: clinical testing. Allele origin: germline.
Comment: This sequence change replaces arginine, which is basic and polar, with tryptophan, which is neutral and slightly polar, at codon 26 of the KCNA1 protein (p.Arg26Trp). This variant is present in population databases (rs373645838, gnomAD 0.002%). This missense change has been observed in individual(s) with clinical features of KCNA1-related conditions (PMID: 29915382). ClinVar contains an entry for this variant (Variation ID: 435546). Invitae Evidence Modeling of protein sequence and biophysical properties (such as structural, functional, and spatial information, amino acid conservation, physicochemical variation, residue mobility, and thermodynamic stability) has been performed for this missense variant. However, the output from this modeling did not meet the statistical confidence thresholds required to predict the impact of this variant on KCNA1 protein function. In summary, the available evidence is currently insufficient to determine the role of this variant in disease. Therefore, it has been classified as a Variant of Uncertain Significance.

Fulgent Genetics
Classification: Uncertain significance for Episodic ataxia type 1. Last evaluated: 2021-07-27. Review status: criteria provided, single submitter. Criteria: ACMG Guidelines, 2015. Collection method: clinical testing. Allele origin: unknown.

Genetic Services Laboratory, University of Chicago
Classification: Uncertain significance. Last evaluated: 2015-10-05. Review status: criteria provided, single submitter. Criteria: ACMG Guidelines, 2015. Collection method: clinical testing. Allele origin: germline. Affected: no.

Literature cited by the submitters: PubMed 29915382 (cited by Labcorp Genetics (formerly Invitae), Labcorp).